The following is an entry in ClinVar:

ClinVar aggregate classification (germline): Uncertain significance (1 of 4 stars; one submission).

Conditions:
Familial temporal lobe epilepsy 7. Identifiers: Orphanet 101046, MedGen C4225327, MONDO:0014639, OMIM 616436.
Norman-Roberts syndrome (LIS2). Also called: Lissencephaly 2 (Norman-Roberts type). Identifiers: Orphanet 89844, MedGen C0796089, MONDO:0009760, OMIM 257320.

Submission:

Labcorp Genetics (formerly Invitae), Labcorp
Classification: Uncertain significance for Familial temporal lobe epilepsy 7; Norman-Roberts syndrome. Last evaluated: 2022-09-30. Review status: criteria provided, single submitter. Criteria: Invitae Variant Classification Sherloc (09022015). Collection method: clinical testing. Allele origin: germline.
Comment: In summary, the available evidence is currently insufficient to determine the role of this variant in disease. Therefore, it has been classified as a Variant of Uncertain Significance. Advanced modeling of protein sequence and biophysical properties (such as structural, functional, and spatial information, amino acid conservation, physicochemical variation, residue mobility, and thermodynamic stability) performed at Invitae indicates that this missense variant is not expected to disrupt RELN protein function. This variant has not been reported in the literature in individuals affected with RELN-related conditions. This variant is not present in population databases (gnomAD no frequency). This sequence change replaces threonine, which is neutral and polar, with proline, which is neutral and non-polar, at codon 1316 of the RELN protein (p.Thr1316Pro).

NM_005045.4(RELN):c.3946A>C (p.Thr1316Pro)

Gene: RELN (reelin; minus strand). Cytogenetic location: 7q22.1.
Variant type: single nucleotide variant.
Coding change: c.3946A>C on transcript NM_005045.4 (MANE Select); coding-DNA position 3946, A replaced by C.
Protein change: p.Thr1316Pro; replaces threonine 1316 with proline.
Molecular consequence: missense variant.
Genome position (GRCh38, 1-based): chr7:103,589,795, T>G on the plus strand (A>C on the coding strand, the complement: RELN is on the minus strand). VCF-style: chr7-103589795-T-G. GRCh37 (hg19) VCF-style: chr7-103230242-T-G.
Other names: c.3946A>C, p.Thr1316Pro (NM_173054.3); short protein forms T1316P.
Identifiers: ClinVar variation 1919468 (VCV001919468.5), dbSNP rs1831367985, ClinGen allele CA368756356.